The following is an entry in ClinVar:

NM_000245.4(MET):c.3244G>C (p.Glu1082Gln)

Gene: MET (MET proto-oncogene, receptor tyrosine kinase; plus strand). Cytogenetic location: 7q31.2.
Variant type: single nucleotide variant.
Coding change: c.3244G>C on transcript NM_000245.4 (MANE Select); coding-DNA position 3244, G replaced by C.
Protein change: p.Glu1082Gln; replaces glutamic acid 1082 with glutamine.
Molecular consequence: missense variant.
Genome position (GRCh38, 1-based): chr7:116,775,096, G>C. VCF-style: chr7-116775096-G-C. GRCh37 (hg19) VCF-style: chr7-116415150-G-C.
Other names: c.3298G>C, p.Glu1100Gln (NM_001127500.3); c.1954G>C, p.Glu652Gln (NM_001324402.2); short protein forms E1082Q, E1100Q, E652Q.
Identifiers: ClinVar variation 823489 (VCV000823489.9), dbSNP rs1584957997, ClinGen allele CA368988806.
Genomic context (GRCh38, chr7:116,775,096, plus strand): 5'-CTGGTCCAGGCAGTGCAGCATGTAGTGATTGGGCCCAGTAGCCTGATTGTGCATTTCAAT[G>C]AAGTCATAGGAAGAGGTAAGTATTTCCACTCAGCTTTTTGTTAAATACGATTTTCCAGTA-3'
Protein context (NP_000236.2, residues 1072-1092): GPSSLIVHFN[Glu1082Gln]VIGRGHFGCV

ClinVar aggregate classification (germline): Conflicting classifications of pathogenicity. Review status: criteria provided, conflicting classifications (1 of 4 stars). 3 submissions from 3 submitters: Uncertain significance (2); Likely benign (1). Last evaluated 2025-09-14.

Conditions:
Hereditary cancer-predisposing syndrome. Also called: Tumor predisposition; Hereditary Cancer Syndrome; Neoplastic Syndromes, Hereditary; Hereditary neoplastic syndrome. Identifiers: Orphanet 140162, MedGen C0027672, MeSH D009386, MONDO:0015356.
Renal cell carcinoma. Identifiers: Orphanet 217071, MedGen C0007134, MeSH D002292, MONDO:0005086, HP:0005584.

Allele frequency attached by ClinVar (database versions not stated): TOPMed below 0.00001; gnomAD exomes 0.00001.
gnomAD v4.1: 9 of 1,614,138 alleles (0.00056%); highest among the groups gnomAD compares: South Asian, 0.0099%; 1 homozygote.

Submissions (3):

Labcorp Genetics (formerly Invitae), Labcorp
Classification: Uncertain significance for Renal cell carcinoma. Last evaluated: 2025-09-14. Review status: criteria provided, single submitter. Criteria: Invitae Variant Classification Sherloc (09022015). Collection method: clinical testing. Allele origin: germline.
Comment: This sequence change replaces glutamic acid, which is acidic and polar, with glutamine, which is neutral and polar, at codon 1100 of the MET protein (p.Glu1100Gln). This variant is not present in population databases (gnomAD no frequency). This variant has not been reported in the literature in individuals affected with MET-related conditions. ClinVar contains an entry for this variant (Variation ID: 823489). Invitae Evidence Modeling of protein sequence and biophysical properties (such as structural, functional, and spatial information, amino acid conservation, physicochemical variation, residue mobility, and thermodynamic stability) indicates that this missense variant is not expected to disrupt MET protein function with a negative predictive value of 80%. In summary, the available evidence is currently insufficient to determine the role of this variant in disease. Therefore, it has been classified as a Variant of Uncertain Significance.

Ambry Genetics
Classification: Likely benign for Hereditary cancer-predisposing syndrome. Last evaluated: 2023-11-16. Review status: criteria provided, single submitter. Criteria: Ambry Variant Classification Scheme 2023. Collection method: clinical testing. Allele origin: germline.

Revvity Omics, Revvity
Classification: Uncertain significance. Last evaluated: 2022-05-20. Review status: criteria provided, single submitter. Criteria: ACMG Guidelines, 2015. Collection method: clinical testing. Allele origin: germline.